The following is an entry in ClinVar:

ClinVar aggregate classification (germline): Likely benign (1 of 4 stars; one submission).

gnomAD v4.1: 2 of 1,608,488 alleles (0.00012%); highest among the groups gnomAD compares: Non-Finnish European, 0.00017%; no homozygotes.

Submission:

CeGaT Center for Human Genetics Tuebingen
Classification: Likely benign. Last evaluated: 2026-08-01. Review status: criteria provided, single submitter. Criteria: CeGaT Center For Human Genetics Tuebingen Variant Classification Criteria Version 2. Collection method: clinical testing. Allele origin: germline. Affected: yes. Observed: 1 variant allele.
Comment: FOXP2: BP4, BP7

NM_014491.4(FOXP2):c.507G>A (p.Gln169=)

Gene: FOXP2 (forkhead box P2; plus strand). Cytogenetic location: 7q31.1.
Variant type: single nucleotide variant.
Coding change: c.507G>A on transcript NM_014491.4 (MANE Select); coding-DNA position 507, G replaced by A.
Protein change: p.Gln169=; no amino-acid change (glutamine 169 retained).
Molecular consequence: synonymous variant. On other transcripts: non-coding transcript variant (2).
Genome position (GRCh38, 1-based): chr7:114,629,915, G>A. VCF-style: chr7-114629915-G-A. GRCh37 (hg19) VCF-style: chr7-114269970-G-A.
Other names: c.507G>A, p.Gln169= (NM_001172766.3, NM_148899.3); c.582G>A, p.Gln194= (NM_001172767.2, NM_148898.4); c.558G>A, p.Gln186= (NM_148900.4).
Identifiers: ClinVar variation 5038654 (VCV005038654.1).